The following is an entry in ClinVar:

ClinVar aggregate classification (germline): Uncertain significance (1 of 4 stars; one submission).

Conditions:
Neuropathy, hereditary sensory, type 1F. Also called: Hereditary sensory neuropathy type IF; HSN IF. Identifiers: Orphanet 36386, MedGen C3810194, MONDO:0014286, OMIM 615632.

Submission:

Labcorp Genetics (formerly Invitae), Labcorp
Classification: Uncertain significance for Neuropathy, hereditary sensory, type 1F. Last evaluated: 2021-06-10. Review status: criteria provided, single submitter. Criteria: Invitae Variant Classification Sherloc (09022015). Collection method: clinical testing. Allele origin: germline.
Comment: In summary, the available evidence is currently insufficient to determine the role of this variant in disease. Therefore, it has been classified as a Variant of Uncertain Significance. Algorithms developed to predict the effect of sequence changes on RNA splicing suggest that this variant may create or strengthen a splice site, but this prediction has not been confirmed by published transcriptional studies. Algorithms developed to predict the effect of missense changes on protein structure and function are either unavailable or do not agree on the potential impact of this missense change (SIFT: "Tolerated"; PolyPhen-2: "Probably Damaging"; Align-GVGD: "Class C25"). This variant has not been reported in the literature in individuals with ATL3-related conditions. This variant is not present in population databases (ExAC no frequency). This sequence change replaces tyrosine with cysteine at codon 221 of the ATL3 protein (p.Tyr221Cys). The tyrosine residue is highly conserved and there is a large physicochemical difference between tyrosine and cysteine.

NM_015459.5(ATL3):c.662A>G (p.Tyr221Cys)

Genes: ATL3 (atlastin GTPase 3; minus strand), LNCROPM (lncRNA regulator of PLAAT3 mediated phospholipid metabolism; plus strand). Cytogenetic location: 11q13.1.
Variant type: single nucleotide variant.
Coding change: c.662A>G on transcript NM_015459.5 (MANE Select); coding-DNA position 662, A replaced by G.
Protein change: p.Tyr221Cys; replaces tyrosine 221 with cysteine.
Molecular consequence: missense variant.
Genome position (GRCh38, 1-based): chr11:63,644,218, T>C on the plus strand (A>G on the coding strand, the complement: ATL3 is on the minus strand). VCF-style: chr11-63644218-T-C. GRCh37 (hg19) VCF-style: chr11-63411690-T-C.
Other names: c.608A>G, p.Tyr203Cys (NM_001290048.2); short protein forms Y203C, Y221C.
Identifiers: ClinVar variation 1360176 (VCV001360176.8), dbSNP rs2134490018, ClinGen allele CA381024615.